The following is an entry in ClinVar:

NM_002291.3(LAMB1):c.3460G>T (p.Val1154Phe)

Gene: LAMB1 (laminin subunit beta 1; minus strand). Cytogenetic location: 7q31.1.
Variant type: single nucleotide variant.
Coding change: c.3460G>T on transcript NM_002291.3 (MANE Select); coding-DNA position 3460, G replaced by T.
Protein change: p.Val1154Phe; replaces valine 1154 with phenylalanine.
Molecular consequence: missense variant.
Genome position (GRCh38, 1-based): chr7:107,940,290, C>A on the plus strand (G>T on the coding strand, the complement: LAMB1 is on the minus strand). VCF-style: chr7-107940290-C-A. GRCh37 (hg19) VCF-style: chr7-107580735-C-A.
Other names: short protein forms V1154F.
Identifiers: ClinVar variation 2663726 (VCV002663726.1), dbSNP rs146247883, ClinGen allele CA368859110.

ClinVar aggregate classification (germline): Uncertain significance (1 of 4 stars; one submission).

gnomAD v4.1: 6 of 1,614,204 alleles (0.00037%); highest among the groups gnomAD compares: Non-Finnish European, 0.00034%; no homozygotes.

Submission:

GeneDx
Classification: Uncertain significance. Last evaluated: 2023-04-19. Review status: criteria provided, single submitter. Criteria: GeneDx Variant Classification Process June 2021. Collection method: clinical testing. Allele origin: germline. Affected: yes.
Comment: Not observed at significant frequency in large population cohorts (gnomAD); In silico analysis supports that this missense variant does not alter protein structure/function; Has not been previously published as pathogenic or benign to our knowledge